The following is an entry in ClinVar:

ClinVar aggregate classification (germline): Likely benign. Review status: criteria provided, multiple submitters, no conflicts (2 of 4 stars). 4 submissions from 4 submitters: Likely benign (4). Last evaluated 2026-01-25.

Conditions:
CFTR-related disorder (CFTR-RD). Also called: CFTR-related disorders; CFTR-related condition. Identifiers: MedGen C5924204, MONDO:7770004.
Cystic fibrosis (CF). Also called: MUCOVISCIDOSIS. Identifiers: Orphanet 586, MedGen C0010674, MONDO:0009061, OMIM 219700. Disease mechanism: loss of function.

Allele frequency attached by ClinVar (database versions not stated): ExAC 0.00002; gnomAD 0.00002 and 0.00003; gnomAD exomes 0.00002; TOPMed 0.00003; 1000 Genomes Project 30x 0.00016; 1000 Genomes Project 0.00020.
gnomAD v4.1: 29 of 1,613,354 alleles (0.0018%); highest among the groups gnomAD compares: East Asian, 0.062%; no homozygotes.

Submissions (4):

Labcorp Genetics (formerly Invitae), Labcorp
Classification: Likely benign for Cystic fibrosis. Last evaluated: 2026-01-25. Review status: criteria provided, single submitter. Criteria: Invitae Variant Classification Sherloc (09022015). Collection method: clinical testing. Allele origin: germline.

PreventionGenetics, part of Exact Sciences
Classification: Likely benign for CFTR-related condition. Last evaluated: 2025-02-19. Review status: criteria provided, single submitter. Criteria: ACMG Guidelines, 2015. Collection method: clinical testing. Allele origin: germline.
Comment: This variant is classified as likely benign based on ACMG/AMP sequence variant interpretation guidelines (Richards et al. 2015 PMID: 25741868, with internal and published modifications).

CeGaT Center for Human Genetics Tuebingen
Classification: Likely benign. Last evaluated: 2024-02-01. Review status: criteria provided, single submitter. Criteria: CeGaT Center For Human Genetics Tuebingen Variant Classification Criteria Version 2. Collection method: clinical testing. Allele origin: germline. Affected: yes. Observed: 1 variant allele.
Comment: CFTR: BP4, BP7

Ambry Genetics
Classification: Likely benign for Cystic fibrosis. Last evaluated: 2019-04-04. Review status: criteria provided, single submitter. Criteria: Ambry Variant Classification Scheme 2023. Collection method: clinical testing. Allele origin: germline.

NM_000492.4(CFTR):c.3723C>A (p.Gly1241=)

Genes: CFTR (CF transmembrane conductance regulator; plus strand), CFTR-AS2 (CFTR antisense RNA 2; minus strand). Cytogenetic location: 7q31.2.
Variant type: single nucleotide variant.
Coding change: c.3723C>A on transcript NM_000492.4 (MANE Select); coding-DNA position 3723, C replaced by A.
Protein change: p.Gly1241=; no amino-acid change (glycine 1241 retained).
Molecular consequence: synonymous variant.
Genome position (GRCh38, 1-based): chr7:117,642,443, C>A. VCF-style: chr7-117642443-C-A. GRCh37 (hg19) VCF-style: chr7-117282497-C-A.
Identifiers: ClinVar variation 824125 (VCV000824125.35), dbSNP rs185065886, ClinGen allele CA4451540.
Genomic context (GRCh38, chr7:117,642,443, plus strand): 5'-TTATGGCATGGTACCTATATGTCACAGAAGTGATCCCATCACTTTTACCTTATAGGTGGG[C>A]CTCTTGGGAAGAACTGGATCAGGGAAGAGTACTTTGTTATCAGCTTTTTTGAGACTACTG-3'
Protein context (NP_000483.3, residues 1231-1251): SFSISPGQRV[Gly1241=]LLGRTGSGKS